The following is an entry in ClinVar:

NM_001164508.2(NEB):c.19625A>G (p.Asp6542Gly)

Genes: NEB (nebulin; minus strand), LOC126806373 (BRD4-independent group 4 enhancer GRCh37_chr2:152410007-152411206; plus strand). Cytogenetic location: 2q23.3.
Variant type: single nucleotide variant.
Coding change: c.19625A>G on transcript NM_001164508.2 (MANE Select); coding-DNA position 19625, A replaced by G.
Protein change: p.Asp6542Gly; replaces aspartic acid 6542 with glycine.
Molecular consequence: missense variant.
Genome position (GRCh38, 1-based): chr2:151,553,829, T>C on the plus strand (A>G on the coding strand, the complement: NEB is on the minus strand). VCF-style: chr2-151553829-T-C. GRCh37 (hg19) VCF-style: chr2-152410343-T-C.
Other names: c.19625A>G, p.Asp6542Gly (NM_001164507.2, NM_001271208.2); c.14522A>G, p.Asp4841Gly (NM_004543.5); short protein forms D4841G, D6542G.
Identifiers: ClinVar variation 1017897 (VCV001017897.2), dbSNP rs753830499, ClinGen allele CA1907598.
Genomic context (GRCh38, chr2:151,553,829, plus strand): 5'-TTCTGGGTGGGGCCGTGGGGCGGGGCCGTGGAGGGGTACTTCTTAAGTCACAGGCTTACA[T>C]CGCTGATCTGATCTGTGACTTTCCTGACGTGATCATTGACTTGCAAGTCGGGGTGGCAAA-3'
Protein context (NP_001157980.2, residues 6532-6552): HVRKVTDQIS[Asp6542Gly]IVYKDDLNWL

ClinVar aggregate classification (germline): Uncertain significance (1 of 4 stars; one submission).

Conditions:
Nemaline myopathy 2 (NEM2). Also called: Nemaline myopathy 2, autosomal recessive. Identifiers: MedGen C1850569, MONDO:0009725, OMIM 256030.

Allele frequency attached by ClinVar (database versions not stated): gnomAD exomes below 0.00001 and 0.00001; ExAC 0.00001; TOPMed 0.00001; gnomAD 0.00003.
gnomAD v4.1: 8 of 1,608,992 alleles (0.0005%); highest among the groups gnomAD compares: Non-Finnish European, 0.00068%; no homozygotes.

Submission:

Labcorp Genetics (formerly Invitae), Labcorp
Classification: Uncertain significance for Nemaline myopathy 2. Last evaluated: 2022-07-12. Review status: criteria provided, single submitter. Criteria: Invitae Variant Classification Sherloc (09022015). Collection method: clinical testing. Allele origin: germline.
Comment: This sequence change replaces aspartic acid, which is acidic and polar, with glycine, which is neutral and non-polar, at codon 6542 of the NEB protein (p.Asp6542Gly). This variant is present in population databases (rs753830499, gnomAD 0.006%). This variant has not been reported in the literature in individuals affected with NEB-related conditions. ClinVar contains an entry for this variant (Variation ID: 1017897). Algorithms developed to predict the effect of missense changes on protein structure and function are either unavailable or do not agree on the potential impact of this missense change (SIFT: "Deleterious"; PolyPhen-2: "Not Available"; Align-GVGD: "Class C0"). Algorithms developed to predict the effect of sequence changes on RNA splicing suggest that this variant may create or strengthen a splice site. In summary, the available evidence is currently insufficient to determine the role of this variant in disease. Therefore, it has been classified as a Variant of Uncertain Significance.